The following is an entry in ClinVar:

ClinVar aggregate classification (germline): Uncertain significance (1 of 4 stars; one submission).

Conditions:
Patterned macular dystrophy 2. Identifiers: Orphanet 99001, MedGen C1837029, MONDO:0012162, OMIM 608970.

Submission:

ARUP Laboratories, Molecular Genetics and Genomics, ARUP Laboratories
Classification: Uncertain significance for Patterned macular dystrophy 2. Last evaluated: 2024-12-17. Review status: criteria provided, single submitter. Criteria: ARUP Molecular Germline Variant Investigation Process 2024. Collection method: clinical testing. Allele origin: germline.
Comment: The CTNNA1 c.2617G>C; p.Glu873Gln variant, to our knowledge, is not reported in the medical literature or gene specific databases. This variant is also absent from the Genome Aggregation Database (v2.1.1), indicating it is not a common polymorphism. Computational analyses are uncertain whether this variant is neutral or deleterious (REVEL: 0.302). Due to limited information, the clinical significance of this variant is uncertain at this time.

NM_001903.5(CTNNA1):c.2617G>C (p.Glu873Gln)

Gene: CTNNA1 (catenin alpha 1; plus strand). Cytogenetic location: 5q31.2.
Variant type: single nucleotide variant.
Coding change: c.2617G>C on transcript NM_001903.5 (MANE Select); coding-DNA position 2617, G replaced by C.
Protein change: p.Glu873Gln; replaces glutamic acid 873 with glutamine.
Molecular consequence: missense variant. On other transcripts: 3 prime UTR variant (5).
Genome position (GRCh38, 1-based): chr5:138,933,985, G>C. VCF-style: chr5-138933985-G-C. GRCh37 (hg19) VCF-style: chr5-138269674-G-C.
Other names: c.*162G>C (NM_001290307.3, NM_001324002.1, NM_001324003.1 and 2 more transcripts); c.2308G>C, p.Glu770Gln (NM_001290309.3); c.2248G>C, p.Glu750Gln (NM_001290310.3); c.1507G>C, p.Glu503Gln (NM_001290312.1, NM_001323987.1, NM_001323988.1 and 12 more transcripts); c.2617G>C, p.Glu873Gln (NM_001323982.2, NM_001323983.1, NM_001323984.2); c.2590G>C, p.Glu864Gln (NM_001323985.2); c.2524G>C, p.Glu842Gln (NM_001323986.2); c.1414G>C, p.Glu472Gln (NM_001324011.1); and 3 more; short protein forms E390Q, E422Q, E458Q, E472Q, E503Q, E750Q, E770Q, E842Q.
Identifiers: ClinVar variation 4685714 (VCV004685714.1).
Genomic context (GRCh38, chr5:138,933,985, plus strand): 5'-AACCTTCCTGCTGTGTCATGGAAGATGAAGGCACCAGAGAAAAAGCCATTGGTGAAGAGA[G>C]AGAAACAGGATGAGACACAGACCAAGATTAAACGGGCATCTCAGAAGAAGCACGTGAACC-3'
Protein context (NP_001894.2, residues 863-883): APEKKPLVKR[Glu873Gln]KQDETQTKIK